The following is an entry in ClinVar:

NM_000722.4(CACNA2D1):c.1797-14T>G

Gene: CACNA2D1 (calcium voltage-gated channel auxiliary subunit alpha2delta 1; minus strand). Cytogenetic location: 7q21.11.
Variant type: single nucleotide variant.
Coding change: c.1797-14T>G on transcript NM_000722.4 (MANE Select); 14 bases into the intron before coding-DNA position 1797, T replaced by G.
Molecular consequence: intron variant.
Genome position (GRCh38, 1-based): chr7:81,984,725, A>C on the plus strand (T>G on the coding strand, the complement: CACNA2D1 is on the minus strand). VCF-style: chr7-81984725-A-C. GRCh37 (hg19) VCF-style: chr7-81614041-A-C.
Other names: c.1854-14T>G (NM_001366867.1).
Identifiers: ClinVar variation 2919636 (VCV002919636.3), dbSNP rs775862838, ClinGen allele CA4317892.
Genomic context (GRCh38, chr7:81,984,725, plus strand): 5'-TGGCTTTTATATAGTAAAAACTGTAGGTTGGTAATACCAAGGCCAAACTGCAATAGAAAC[A>C]AGAGAAGCATAAACACAAACAAACAAAAATGAAACATAACTTAAAAAAAAGACACATCAA-3'

ClinVar aggregate classification (germline): Uncertain significance (1 of 4 stars; one submission).

Conditions:
Brugada syndrome. Also called: Sudden unexplained nocturnal death syndrome; Sudden Unexplained Death Syndrome; Sudden Unexplained Nocturnal Death Syndrome (SUNDS); Sudden unexpected nocturnal death syndrome. Identifiers: Orphanet 130, MedGen C1142166, MONDO:0015263.

Allele frequency attached by ClinVar (database versions not stated): gnomAD exomes below 0.00001; ExAC 0.00003; TOPMed 0.00003.
gnomAD v4.1: 5 of 1,382,010 alleles (0.00036%); highest among the groups gnomAD compares: Admixed American, 0.0077%; no homozygotes.

Submission:

Labcorp Genetics (formerly Invitae), Labcorp
Classification: Uncertain significance for Brugada syndrome. Last evaluated: 2023-05-01. Review status: criteria provided, single submitter. Criteria: Invitae Variant Classification Sherloc (09022015). Collection method: clinical testing. Allele origin: germline.
Comment: This variant is present in population databases (rs775862838, gnomAD 0.02%). In summary, the available evidence is currently insufficient to determine the role of this variant in disease. Therefore, it has been classified as a Variant of Uncertain Significance. Algorithms developed to predict the effect of sequence changes on RNA splicing suggest that this variant may disrupt the consensus splice site. This variant has not been reported in the literature in individuals affected with CACNA2D1-related conditions. This sequence change falls in intron 21 of the CACNA2D1 gene. It does not directly change the encoded amino acid sequence of the CACNA2D1 protein.